The following is an entry in ClinVar:

NM_000138.5(FBN1):c.4413G>A (p.Glu1471=)

Gene: FBN1 (fibrillin 1; minus strand). Cytogenetic location: 15q21.1.
Variant type: single nucleotide variant.
Coding change: c.4413G>A on transcript NM_000138.5 (MANE Select); coding-DNA position 4413, G replaced by A.
Protein change: p.Glu1471=; no amino-acid change (glutamic acid 1471 retained).
Molecular consequence: synonymous variant.
Genome position (GRCh38, 1-based): chr15:48,470,680, C>T on the plus strand (G>A on the coding strand, the complement: FBN1 is on the minus strand). VCF-style: chr15-48470680-C-T. GRCh37 (hg19) VCF-style: chr15-48762877-C-T.
Identifiers: ClinVar variation 391875 (VCV000391875.15), dbSNP rs756143911, ClinGen allele CA052813.

ClinVar aggregate classification (germline): Likely benign. Review status: criteria provided, multiple submitters, no conflicts (2 of 4 stars). 6 submissions from 6 submitters: Likely benign (6). Last evaluated 2025-08-30.

Conditions:
Marfan syndrome (MFS). Also called: Marfan syndrome, classic; Marfan syndrome type 1; Marfan's syndrome; MARFAN SYNDROME, TYPE I; FBN1-Related Marfan Syndrome. Identifiers: Orphanet 284963, Orphanet 558, MedGen C0024796, MONDO:0007947, OMIM 154700.
Familial thoracic aortic aneurysm and aortic dissection (TAAD). Also called: Thoracic aortic aneurysms and dissections. Identifiers: Orphanet 91387, MedGen C4707243, MONDO:0019625.

Allele frequency attached by ClinVar (database versions not stated): ExAC 0.00001; TOPMed 0.00002; gnomAD exomes 0.00001; gnomAD 0.00003.
gnomAD v4.1: 23 of 1,613,958 alleles (0.0014%); highest among the groups gnomAD compares: Non-Finnish European, 0.0019%; no homozygotes.

Submissions (6):

Labcorp Genetics (formerly Invitae), Labcorp
Classification: Likely benign for Marfan syndrome; Familial thoracic aortic aneurysm and aortic dissection. Last evaluated: 2025-08-30. Review status: criteria provided, single submitter. Criteria: Invitae Variant Classification Sherloc (09022015). Collection method: clinical testing. Allele origin: germline.

All of Us Research Program, National Institutes of Health
Classification: Likely benign for Marfan syndrome. Last evaluated: 2023-10-02. Review status: criteria provided, single submitter. Criteria: ACMG Guidelines, 2015. Collection method: clinical testing. Allele origin: germline. Inheritance: Autosomal dominant inheritance. Observed: 1 variant allele, 1 heterozygote.
Comment: This study involves interpretation of variants in research participants for the purpose of population health screening. Participant phenotype was not available at the time of variant classification. Additional details can be found in publication PMID: 35346344, PMCID: PMC8962531

Color Diagnostics, LLC DBA Color Health
Classification: Likely benign for Familial thoracic aortic aneurysm and aortic dissection. Last evaluated: 2023-05-24. Review status: criteria provided, single submitter. Criteria: ACMG Guidelines, 2015. Collection method: clinical testing. Allele origin: germline.

Women's Health and Genetics/Laboratory Corporation of America, LabCorp
Classification: Likely benign. Last evaluated: 2019-08-28. Review status: criteria provided, single submitter. Criteria: LabCorp Variant Classification Summary - May 2015. Collection method: clinical testing. Allele origin: germline.

Ambry Genetics
Classification: Likely benign for Familial thoracic aortic aneurysm and aortic dissection. Last evaluated: 2018-05-22. Review status: criteria provided, single submitter. Criteria: Ambry Variant Classification Scheme 2023. Collection method: clinical testing. Allele origin: germline.

GeneDx
Classification: Likely benign. Last evaluated: 2016-12-19. Review status: criteria provided, single submitter. Criteria: GeneDx Variant Classification (06012015). Collection method: clinical testing. Allele origin: germline. Affected: yes.
Comment: This variant is considered likely benign or benign based on one or more of the following criteria: it is a conservative change, it occurs at a poorly conserved position in the protein, it is predicted to be benign by multiple in silico algorithms, and/or has population frequency not consistent with disease.